The following is an entry in ClinVar:

ClinVar aggregate classification (germline): Uncertain significance (1 of 4 stars; one submission).

Submission:

GeneDx
Classification: Uncertain significance. Last evaluated: 2023-04-18. Review status: criteria provided, single submitter. Criteria: GeneDx Variant Classification Process June 2021. Collection method: clinical testing. Allele origin: germline. Affected: yes.
Comment: Not observed at significant frequency in large population cohorts (gnomAD); In silico analysis supports that this missense variant has a deleterious effect on protein structure/function; Has not been previously published as pathogenic or benign to our knowledge

NM_000829.4(GRIA4):c.2455T>C (p.Tyr819His)

Gene: GRIA4 (glutamate ionotropic receptor AMPA type subunit 4; plus strand). Cytogenetic location: 11q22.3.
Variant type: single nucleotide variant.
Coding change: c.2455T>C on transcript NM_000829.4 (MANE Select); coding-DNA position 2455, T replaced by C.
Protein change: p.Tyr819His; replaces tyrosine 819 with histidine.
Molecular consequence: missense variant. On other transcripts: non-coding transcript variant (1).
Genome position (GRCh38, 1-based): chr11:105,974,355, T>C. VCF-style: chr11-105974355-T-C. GRCh37 (hg19) VCF-style: chr11-105845082-T-C.
Other names: c.2455T>C, p.Tyr819His (NM_001077243.3); short protein forms Y819H.
Identifiers: ClinVar variation 2661982 (VCV002661982.1), dbSNP rs2498198274, ClinGen allele CA382304445.